The following is an entry in ClinVar:

ClinVar aggregate classification (germline): Uncertain significance (1 of 4 stars; one submission).

Conditions:
Meckel-Gruber syndrome. Also called: DYSENCEPHALIA SPLANCHNOCYSTICA; GRUBER SYNDROME; Dysencephalia splachnocystica. Identifiers: Orphanet 564, MedGen C0265215, MONDO:0018921.
Joubert syndrome. Also called: JOUBERT-BOLTSHAUSER SYNDROME; Familial aplasia of the vermis. Identifiers: Orphanet 475, MedGen C5979921, MONDO:0018772.

Submission:

Labcorp Genetics (formerly Invitae), Labcorp
Classification: Uncertain significance for Joubert syndrome; Meckel-Gruber syndrome. Last evaluated: 2022-07-27. Review status: criteria provided, single submitter. Criteria: Invitae Variant Classification Sherloc (09022015). Collection method: clinical testing. Allele origin: germline.
Comment: In summary, the available evidence is currently insufficient to determine the role of this variant in disease. Therefore, it has been classified as a Variant of Uncertain Significance. This sequence change replaces leucine, which is neutral and non-polar, with arginine, which is basic and polar, at codon 793 of the CC2D2A protein (p.Leu793Arg). This variant is not present in population databases (gnomAD no frequency). This variant has not been reported in the literature in individuals affected with CC2D2A-related conditions. Advanced modeling of protein sequence and biophysical properties (such as structural, functional, and spatial information, amino acid conservation, physicochemical variation, residue mobility, and thermodynamic stability) performed at Invitae indicates that this missense variant is expected to disrupt CC2D2A protein function.

NM_001378615.1(CC2D2A):c.2378T>G (p.Leu793Arg)

Genes: CC2D2A (coiled-coil and C2 domain containing 2A; plus strand), FBXL5 (F-box and leucine rich repeat protein 5; minus strand). Cytogenetic location: 4p15.32.
Variant type: single nucleotide variant.
Coding change: c.2378T>G on transcript NM_001378615.1 (MANE Select); coding-DNA position 2378, T replaced by G.
Protein change: p.Leu793Arg; replaces leucine 793 with arginine.
Molecular consequence: missense variant.
Genome position (GRCh38, 1-based): chr4:15,553,197, T>G. VCF-style: chr4-15553197-T-G. GRCh37 (hg19) VCF-style: chr4-15554820-T-G.
Other names: c.2378T>G, p.Leu793Arg (NM_001080522.2); c.2231T>G, p.Leu744Arg (NM_001378617.1); short protein forms L744R, L793R.
Identifiers: ClinVar variation 1713971 (VCV001713971.6), dbSNP rs2475026055, ClinGen allele CA356418776.
Genomic context (GRCh38, chr4:15,553,197, plus strand): 5'-TTTAATCTGGTGTTTCCCCAGGAGTGCCCTTCTCATTTGAAGCTGATGGCAGTAACCAGC[T>G]GACTCTGATGACCTCAGGGAAAGTGTCTCATAGTGTGGCATGGGCCATTGGAGAAAACGG-3'
Protein context (NP_001365544.1, residues 783-803): FSFEADGSNQ[Leu793Arg]TLMTSGKVSH